The following is an entry in ClinVar:

NM_003386.3(ZAN):c.1134C>T (p.Asn378=)

Gene: ZAN (zonadhesin; plus strand). Cytogenetic location: 7q22.1.
Variant type: single nucleotide variant.
Coding change: c.1134C>T on transcript NM_003386.3 (MANE Select); coding-DNA position 1134, C replaced by T.
Protein change: p.Asn378=; no amino-acid change (asparagine 378 retained).
Molecular consequence: synonymous variant. On other transcripts: non-coding transcript variant (3).
Genome position (GRCh38, 1-based): chr7:100,748,355, C>T. VCF-style: chr7-100748355-C-T. GRCh37 (hg19) VCF-style: chr7-100345978-C-T.
Other names: c.1134C>T, p.Asn378= (NM_173059.3).
Identifiers: ClinVar variation 2657766 (VCV002657766.24), dbSNP rs200460391, ClinGen allele CA4389974.

ClinVar aggregate classification (germline): Likely benign (1 of 4 stars; one submission).

Allele frequency attached by ClinVar (database versions not stated): 1000 Genomes Project 30x 0.00078; ESP Exome Variant Server 0.00083; 1000 Genomes Project 0.00100; gnomAD 0.00145; TOPMed 0.00170.
gnomAD v4.1: 2,020 of 1,613,978 alleles (0.13%); highest among the groups gnomAD compares: Middle Eastern, 2.2%; 13 homozygotes.

Submission:

CeGaT Center for Human Genetics Tuebingen
Classification: Likely benign. Last evaluated: 2022-09-01. Review status: criteria provided, single submitter. Criteria: CeGaT Center For Human Genetics Tuebingen Variant Classification Criteria Version 2. Collection method: clinical testing. Allele origin: germline. Affected: yes. Observed: 2 variant alleles.
Comment: ZAN: BP4, BP7